The following is an entry in ClinVar:

ClinVar aggregate classification (germline): Uncertain significance (1 of 4 stars; one submission).

Submission:

Labcorp Genetics (formerly Invitae), Labcorp
Classification: Uncertain significance. Last evaluated: 2024-06-12. Review status: criteria provided, single submitter. Criteria: Invitae Variant Classification Sherloc (09022015). Collection method: clinical testing. Allele origin: germline.
Comment: This sequence change replaces alanine, which is neutral and non-polar, with proline, which is neutral and non-polar, at codon 1789 of the ARID1A protein (p.Ala1789Pro). This variant is not present in population databases (gnomAD no frequency). This variant has not been reported in the literature in individuals affected with ARID1A-related conditions. Advanced modeling of protein sequence and biophysical properties (such as structural, functional, and spatial information, amino acid conservation, physicochemical variation, residue mobility, and thermodynamic stability) performed at Invitae indicates that this missense variant is not expected to disrupt ARID1A protein function with a negative predictive value of 80%. In summary, the available evidence is currently insufficient to determine the role of this variant in disease. Therefore, it has been classified as a Variant of Uncertain Significance.

NM_006015.6(ARID1A):c.5365G>C (p.Ala1789Pro)

Gene: ARID1A (AT-rich interaction domain 1A; plus strand). Cytogenetic location: 1p36.11.
Variant type: single nucleotide variant.
Coding change: c.5365G>C on transcript NM_006015.6 (MANE Select); coding-DNA position 5365, G replaced by C.
Protein change: p.Ala1789Pro; replaces alanine 1789 with proline.
Molecular consequence: missense variant.
Genome position (GRCh38, 1-based): chr1:26,779,263, G>C. VCF-style: chr1-26779263-G-C. GRCh37 (hg19) VCF-style: chr1-27105754-G-C.
Other names: c.4714G>C, p.Ala1572Pro (NM_139135.4); short protein forms A1572P, A1789P.
Identifiers: ClinVar variation 3656385 (VCV003656385.2).